The following is an entry in ClinVar:

ClinVar aggregate classification (germline): Uncertain significance (1 of 4 stars; one submission).

Conditions:
PLXNA3-related disorder. Also called: PLXNA3-related condition.

Submission:

PreventionGenetics, part of Exact Sciences
Classification: Uncertain significance for PLXNA3-related condition. Last evaluated: 2026-09-18. Review status: criteria provided, single submitter. Criteria: ACMG Guidelines, 2015. Collection method: clinical testing. Allele origin: germline.
Comment: The PLXNA3 c.5111G>A variant is predicted to result in the amino acid substitution p.Arg1704His. To our knowledge, this variant has not been reported in the literature. This variant is reported in 0.015% of alleles in individuals of Latino descent in gnomAD including 4 hemizygotes. Although we suspect this variant may be benign, at this time the clinical significance is uncertain due to the absence of conclusive functional and genetic evidence.

NM_017514.5(PLXNA3):c.5111G>A (p.Arg1704His)

Gene: PLXNA3 (plexin A3; plus strand). Cytogenetic location: Xq28.
Variant type: single nucleotide variant.
Coding change: c.5111G>A on transcript NM_017514.5 (MANE Select); coding-DNA position 5111, G replaced by A.
Protein change: p.Arg1704His; replaces arginine 1704 with histidine.
Molecular consequence: missense variant.
Genome position (GRCh38, 1-based): chrX:154,470,566, G>A. VCF-style: chrX-154470566-G-A. GRCh37 (hg19) VCF-style: chrX-153698909-G-A.
Other names: short protein forms R1704H.
Identifiers: ClinVar variation 3357121 (VCV003357121.2).